The following is an entry in ClinVar:

ClinVar aggregate classification (germline): Uncertain significance (1 of 4 stars; one submission).

Submission:

Labcorp Genetics (formerly Invitae), Labcorp
Classification: Uncertain significance. Last evaluated: 2021-08-22. Review status: criteria provided, single submitter. Criteria: Invitae Variant Classification Sherloc (09022015). Collection method: clinical testing. Allele origin: germline.
Comment: This variant has not been reported in the literature in individuals affected with SCP2-related conditions. In summary, the available evidence is currently insufficient to determine the role of this variant in disease. Therefore, it has been classified as a Variant of Uncertain Significance. Variants that disrupt the consensus splice site are a relatively common cause of aberrant splicing (PMID: 17576681, 9536098). Algorithms developed to predict the effect of sequence changes on RNA splicing suggest that this variant may disrupt the consensus splice site. Algorithms developed to predict the effect of missense changes on protein structure and function (SIFT, PolyPhen-2, Align-GVGD) all suggest that this variant is likely to be tolerated. This variant is not present in population databases (ExAC no frequency). This sequence change replaces methionine with isoleucine at codon 275 of the SCP2 protein (p.Met275Ile). The methionine residue is highly conserved and there is a small physicochemical difference between methionine and isoleucine. This variant also falls at the last nucleotide of exon 9, which is part of the consensus splice site for this exon.

Literature cited by the submitters: PubMed 17576681; PubMed 9536098.

NM_002979.5(SCP2):c.825G>C (p.Met275Ile)

Gene: SCP2 (sterol carrier protein 2; plus strand). Cytogenetic location: 1p32.3.
Variant type: single nucleotide variant.
Coding change: c.825G>C on transcript NM_002979.5 (MANE Select); coding-DNA position 825, G replaced by C.
Protein change: p.Met275Ile; replaces methionine 275 with isoleucine.
Molecular consequence: missense variant.
Genome position (GRCh38, 1-based): chr1:52,978,367, G>C. VCF-style: chr1-52978367-G-C. GRCh37 (hg19) VCF-style: chr1-53444039-G-C.
Other names: c.693G>C, p.Met231Ile (NM_001007098.3, NM_001193600.2); c.753G>C, p.Met251Ile (NM_001193599.2); c.582G>C, p.Met194Ile (NM_001193617.2); c.825G>C, p.Met275Ile (NM_001330587.2); short protein forms M231I, M194I, M251I, M275I.
Identifiers: ClinVar variation 1376940 (VCV001376940.6), dbSNP rs1557580517, ClinGen allele CA340381511.